The following is an entry in ClinVar:

NM_031935.3(HMCN1):c.6448C>T (p.Leu2150Phe)

Gene: HMCN1 (hemicentin 1; plus strand). Cytogenetic location: 1q31.1.
Variant type: single nucleotide variant.
Coding change: c.6448C>T on transcript NM_031935.3 (MANE Select); coding-DNA position 6448, C replaced by T.
Protein change: p.Leu2150Phe; replaces leucine 2150 with phenylalanine.
Molecular consequence: missense variant.
Genome position (GRCh38, 1-based): chr1:186,045,831, C>T. VCF-style: chr1-186045831-C-T. GRCh37 (hg19) VCF-style: chr1-186014963-C-T.
Other names: short protein forms L2150F.
Identifiers: ClinVar variation 2115514 (VCV002115514.4), dbSNP rs2527671322, ClinGen allele CA343899943.

ClinVar aggregate classification (germline): Uncertain significance (1 of 4 stars; one submission).

Submission:

Labcorp Genetics (formerly Invitae), Labcorp
Classification: Uncertain significance. Last evaluated: 2023-10-03. Review status: criteria provided, single submitter. Criteria: Invitae Variant Classification Sherloc (09022015). Collection method: clinical testing. Allele origin: germline.
Comment: This sequence change replaces leucine, which is neutral and non-polar, with phenylalanine, which is neutral and non-polar, at codon 2150 of the HMCN1 protein (p.Leu2150Phe). This variant is not present in population databases (gnomAD no frequency). This variant has not been reported in the literature in individuals affected with HMCN1-related conditions. ClinVar contains an entry for this variant (Variation ID: 2115514). An algorithm developed to predict the effect of missense changes on protein structure and function (PolyPhen-2) suggests that this variant is likely to be disruptive. In summary, the available evidence is currently insufficient to determine the role of this variant in disease. Therefore, it has been classified as a Variant of Uncertain Significance.